The following is an entry in ClinVar:

NM_001408.3(CELSR2):c.4915T>C (p.Tyr1639His)

Gene: CELSR2 (cadherin EGF LAG seven-pass G-type receptor 2; plus strand). Cytogenetic location: 1p13.3.
Variant type: single nucleotide variant.
Coding change: c.4915T>C on transcript NM_001408.3 (MANE Select); coding-DNA position 4915, T replaced by C.
Protein change: p.Tyr1639His; replaces tyrosine 1639 with histidine.
Molecular consequence: missense variant.
Genome position (GRCh38, 1-based): chr1:109,263,691, T>C. VCF-style: chr1-109263691-T-C. GRCh37 (hg19) VCF-style: chr1-109806313-T-C.
Other names: c.4915T>C (NM_001408.2); short protein forms Y1639H.
Identifiers: ClinVar variation 1569102 (VCV001569102.11), dbSNP rs653635, ClinGen allele CA987373.

ClinVar aggregate classification (germline): Benign. Review status: criteria provided, multiple submitters, no conflicts (2 of 4 stars). 3 submissions from 3 submitters: Benign (2). 1 of the submissions does not count toward it. Last evaluated 2026-02-01.

Conditions:
CELSR2-related disorder. Also called: CELSR2-related condition.

Allele frequency attached by ClinVar (database versions not stated): TOPMed 0.13659; gnomAD 0.13932 and 0.13136; gnomAD exomes 0.08757 and 0.09363; ESP Exome Variant Server 0.14309; ExAC 0.09057; 1000 Genomes Project 0.10204; 1000 Genomes Project 30x 0.10712.
gnomAD v4.1: 157,300 of 1,613,814 alleles (9.7%); highest among the groups gnomAD compares: African/African-American, 24%; 9,036 homozygotes.

Submissions (3):

Labcorp Genetics (formerly Invitae), Labcorp
Classification: Benign. Last evaluated: 2026-02-01. Review status: criteria provided, single submitter. Criteria: Invitae Variant Classification Sherloc (09022015). Collection method: clinical testing. Allele origin: germline.

Breakthrough Genomics
Classification: Benign. Review status: criteria provided, single submitter. Criteria: ACMG Guidelines, 2015. Collection method: not provided. Allele origin: germline. Inheritance: Unknown mechanism. Affected: yes.

PreventionGenetics, part of Exact Sciences
Classification: Benign for CELSR2-related condition. Last evaluated: 2019-11-13. Review status: no assertion criteria provided. Collection method: clinical testing. Allele origin: germline. Not counted in ClinVar's aggregate classification.
Comment: This variant is classified as benign based on ACMG/AMP sequence variant interpretation guidelines (Richards et al. 2015 PMID: 25741868, with internal and published modifications).